The following is an entry in ClinVar:

NM_001783.4(CD79A):c.499-10A>C

Genes: RPS19-CD79A (RPS19-CD79A readthrough; plus strand), CD79A (CD79a molecule; plus strand). Cytogenetic location: 19q13.2.
Variant type: single nucleotide variant.
Coding change: c.499-10A>C on transcript NM_001783.4 (MANE Select); 10 bases into the intron before coding-DNA position 499, A replaced by C.
Molecular consequence: intron variant.
Genome position (GRCh38, 1-based): chr19:41,880,660, A>C. VCF-style: chr19-41880660-A-C. GRCh37 (hg19) VCF-style: chr19-42384727-A-C.
Other names: c.499-10A>C (NM_001783.3); c.385-10A>C (NM_021601.4).
Identifiers: ClinVar variation 2853308 (VCV002853308.6), dbSNP rs782133859, ClinGen allele CA9465651.

ClinVar aggregate classification (germline): Benign/Likely benign. Review status: criteria provided, multiple submitters, no conflicts (2 of 4 stars). 3 submissions from 3 submitters: Benign (1); Likely benign (1). 1 of the submissions does not count toward it. Last evaluated 2024-11-21.

Conditions:
Agammaglobulinemia 3, autosomal recessive (AGM3). Also called: AGAMMAGLOBULINEMIA 3; AGAMMAGLOBULINEMIA, AUTOSOMAL RECESSIVE, DUE TO CD79A DEFECT. Identifiers: MedGen C3150751, MONDO:0013288, OMIM 613501.
CD79A-related disorder. Also called: CD79A-related condition.

Allele frequency attached by ClinVar (database versions not stated): ExAC 0.00005.

Submissions (3):

Blueprint Genetics
Classification: Likely benign. Last evaluated: 2024-11-21. Review status: criteria provided, single submitter. Criteria: ACMG Guidelines, 2015. Collection method: clinical testing. Allele origin: germline.

Labcorp Genetics (formerly Invitae), Labcorp
Classification: Benign for Agammaglobulinemia 3, autosomal recessive. Last evaluated: 2023-02-15. Review status: criteria provided, single submitter. Criteria: Invitae Variant Classification Sherloc (09022015). Collection method: clinical testing. Allele origin: germline.

PreventionGenetics, part of Exact Sciences
Classification: Likely benign for CD79A-related condition. Last evaluated: 2022-05-17. Review status: no assertion criteria provided. Collection method: clinical testing. Allele origin: germline. Not counted in ClinVar's aggregate classification.
Comment: This variant is classified as likely benign based on ACMG/AMP sequence variant interpretation guidelines (Richards et al. 2015 PMID: 25741868, with internal and published modifications).